The following is an entry in ClinVar:

NM_001040108.2(MLH3):c.765C>T (p.Asn255=)

Gene: MLH3 (mutL homolog 3; minus strand). Cytogenetic location: 14q24.3.
Variant type: single nucleotide variant.
Coding change: c.765C>T on transcript NM_001040108.2 (MANE Select); coding-DNA position 765, C replaced by T.
Protein change: p.Asn255=; no amino-acid change (asparagine 255 retained).
Molecular consequence: synonymous variant.
Genome position (GRCh38, 1-based): chr14:75,048,891, G>A on the plus strand (C>T on the coding strand, the complement: MLH3 is on the minus strand). VCF-style: chr14-75048891-G-A. GRCh37 (hg19) VCF-style: chr14-75515594-G-A.
Other names: c.765C>T, p.Asn255= (NM_014381.3).
Identifiers: ClinVar variation 1760012 (VCV001760012.3), dbSNP rs2503317458, ClinGen allele CA487274159.

ClinVar aggregate classification (germline): Benign/Likely benign. Review status: criteria provided, multiple submitters, no conflicts (2 of 4 stars). 2 submissions from 2 submitters: Benign (1); Likely benign (1). Last evaluated 2026-04-29.

Conditions:
Colorectal cancer, hereditary nonpolyposis, type 7. Identifiers: Orphanet 144, MedGen C1858380, MONDO:0013725, OMIM 614385.

Allele frequency attached by ClinVar (database versions not stated): gnomAD exomes below 0.00001.
gnomAD v4.1: 1 of 1,613,710 alleles (0.000062%); highest among the groups gnomAD compares: Middle Eastern, 0.017%; no homozygotes.

Submissions (2):

Myriad Genetics, Inc.
Classification: Benign for Colorectal cancer, hereditary nonpolyposis, type 7. Last evaluated: 2026-04-29. Review status: criteria provided, single submitter. Criteria: Myriad Autosomal Dominant, Autosomal Recessive and X-Linked Classification Criteria (2023). Collection method: clinical testing. Allele origin: unknown.
Comment: This variant is considered benign. This variant is a silent/synonymous amino acid change and it is not expected to impact splicing.

Ambry Genetics
Classification: Likely benign. Last evaluated: 2019-12-11. Review status: criteria provided, single submitter. Criteria: Ambry Variant Classification Scheme 2023. Collection method: clinical testing. Allele origin: germline.